The following is an entry in ClinVar:

NM_001243133.2(NLRP3):c.587G>A (p.Ser196Asn)

Gene: NLRP3 (NLR family pyrin domain containing 3; plus strand). Cytogenetic location: 1q44.
Variant type: single nucleotide variant.
Coding change: c.587G>A on transcript NM_001243133.2 (MANE Select); coding-DNA position 587, G replaced by A.
Protein change: p.Ser196Asn; replaces serine 196 with asparagine.
Molecular consequence: missense variant.
Genome position (GRCh38, 1-based): chr1:247,424,036, G>A. VCF-style: chr1-247424036-G-A. GRCh37 (hg19) VCF-style: chr1-247587338-G-A.
Other names: c.587G>A, p.Ser196Asn (NM_001079821.3, NM_001127461.3, NM_001127462.3 and 1 more transcripts); c.593G>A, p.Ser198Asn (NM_004895.5); short protein forms S198N, S196N.
Identifiers: ClinVar variation 97965 (VCV000097965.13), dbSNP rs180177459, ClinGen allele CA281335.

ClinVar aggregate classification (germline): Conflicting classifications of pathogenicity. Review status: criteria provided, conflicting classifications (1 of 4 stars). 6 submissions from 4 submitters: Uncertain significance (1); Benign (3); Likely benign (1). 1 of the submissions does not count toward it. Last evaluated 2024-12-23.

Conditions:
Cryopyrin associated periodic syndrome (CAPS). Identifiers: Orphanet 208650, MedGen C2316212, MONDO:0016168.
Chronic infantile neurological, cutaneous and articular syndrome (CINCA). Also called: CINCA syndrome; Prieur Griscelli syndrome; CHRONIC NEUROLOGIC CUTANEOUS AND ARTICULAR SYNDROME; CRYOPYRIN-ASSOCIATED PERIODIC SYNDROME 3. Identifiers: Orphanet 1451, MedGen C0409818, MONDO:0011776, OMIM 607115.
Familial cold autoinflammatory syndrome 1 (FCAS1). Also called: CRYOPYRIN-ASSOCIATED PERIODIC SYNDROME 1; Familial cold inflammatory syndrome 1. Identifiers: Orphanet 47045, MedGen C4551895, MONDO:0007349, OMIM 120100.
Familial amyloid nephropathy with urticaria AND deafness (MWS). Also called: UDA SYNDROME; URTICARIA-DEAFNESS-AMYLOIDOSIS SYNDROME; MUCKLE-WELLS SYNDROME; Urticaria, deafness and amyloidosis; CRYOPYRIN-ASSOCIATED PERIODIC SYNDROME 2. Identifiers: Orphanet 575, MedGen C0268390, MONDO:0008633, OMIM 191900.

Allele frequency attached by ClinVar (database versions not stated): gnomAD 0.00003 and 0.00005; gnomAD exomes 0.00006 and 0.00015; TOPMed 0.00010; ExAC 0.00011; 1000 Genomes Project 30x 0.00016; 1000 Genomes Project 0.00020.

Submissions (6):

Labcorp Genetics (formerly Invitae), Labcorp
Classification: Likely benign for Cryopyrin associated periodic syndrome. Last evaluated: 2024-12-23. Review status: criteria provided, single submitter. Criteria: Invitae Variant Classification Sherloc (09022015). Collection method: clinical testing. Allele origin: germline.

GeneDx
Classification: Uncertain significance. Last evaluated: 2024-12-12. Review status: criteria provided, single submitter. Criteria: GeneDx Variant Classification Process June 2021. Collection method: clinical testing. Allele origin: germline.
Comment: In silico analysis indicates that this missense variant does not alter protein structure/function; Has not been previously published as pathogenic or benign to our knowledge; Also known as p.S196N

Illumina Laboratory Services, Illumina
Classification: Benign for Chronic infantile neurological, cutaneous and articular syndrome. Last evaluated: 2018-01-13. Review status: criteria provided, single submitter. Criteria: ICSL Variant Classification Criteria 13 December 2019. Collection method: clinical testing. Allele origin: germline.
Comment: This variant was observed in the ICSL laboratory as part of a predisposition screen in an ostensibly healthy population. It had not been previously curated by ICSL or reported in the Human Gene Mutation Database (HGMD: prior to June 1st, 2018), and was therefore a candidate for classification through an automated scoring system. Utilizing variant allele frequency, disease prevalence and penetrance estimates, and inheritance mode, an automated score was calculated to assess if this variant is too frequent to cause the disease. Based on the score and internal cut-off values, a variant classified as benign is not then subjected to further curation. The score for this variant resulted in a classification of benign for this disease.

Illumina Laboratory Services, Illumina
Classification: Benign for Familial amyloid nephropathy with urticaria AND deafness. Last evaluated: 2018-01-13. Review status: criteria provided, single submitter. Criteria: ICSL Variant Classification Criteria 13 December 2019. Collection method: clinical testing. Allele origin: germline.
Comment: the same text as in the submission from Illumina Laboratory Services, Illumina above.

Illumina Laboratory Services, Illumina
Classification: Benign for Familial cold autoinflammatory syndrome 1. Last evaluated: 2018-01-13. Review status: criteria provided, single submitter. Criteria: ICSL Variant Classification Criteria 13 December 2019. Collection method: clinical testing. Allele origin: germline.
Comment: the same text as in the submission from Illumina Laboratory Services, Illumina above.

Unité médicale des maladies autoinflammatoires, CHRU Montpellier
No classification provided. Condition: Familial cold urticaria. Review status: no classification provided. Collection method: not provided. Allele origin: unknown. Not counted in ClinVar's aggregate classification.
Comment: also involved in OMIM 191900 and 607115